The following is an entry in ClinVar:

ClinVar aggregate classification (germline): Likely pathogenic. Review status: criteria provided, single submitter (1 of 4 stars). 2 submissions from 2 submitters: Likely pathogenic (1). 1 of the submissions does not count toward it. Last evaluated 2015-04-14.

Conditions:
Junctional epidermolysis bullosa gravis of Herlitz. Also called: Epidermolysis Bullosa Letalis; Herlitz-type junctional epidermolysis bullosa; EPIDERMOLYSIS BULLOSA, JUNCTIONAL 1B, SEVERE; EPIDERMOLYSIS BULLOSA JUNCTIONALIS, HERLITZ TYPE; EPIDERMOLYSIS BULLOSA, JUNCTIONAL, HERLITZ-PEARSON TYPE; JEB-HERLITZ TYPE. Identifiers: Orphanet 79404, MedGen C0079683, MONDO:0009182, OMIM 226700.

Allele frequency attached by ClinVar (database versions not stated): gnomAD exomes below 0.00001.
gnomAD v4.1: 9 of 1,614,186 alleles (0.00056%); highest among the groups gnomAD compares: Non-Finnish European, 0.00076%; no homozygotes.

Submissions (2):

GeneDx
Classification: Likely pathogenic. Last evaluated: 2015-04-14. Review status: criteria provided, single submitter. Criteria: GeneDx Variant Classification (06012015). Collection method: clinical testing. Allele origin: germline. Affected: yes.
Comment: The p.M878L variant in the LAMA3 gene has been published as a JEB pathogenic variant, however the reported study is of this same individual reported by another laboratory.(Varki et al 2007) The p.M878L variant was not observed in approximately 6500 individuals of European and African American ancestry in the NHLBI Exome Sequencing Project, indicating it is not a common benign variant in these populations. The p.M878L variant is a conservative amino acid substitution, which is not likely to impact secondary protein structure as these residues share similar properties. The p.M878L variant is a non-conservative amino acid substitution, which is likely to impact secondary protein structure as these residues differ in polarity, charge, size and/or other properties. This substitution occurs at a position that is conserved across class. In silico analysis is inconsistent in its predictions as to whether or not the variant is damaging to the protein structure/function. No nearby missense variants in nearby residues have been reported in the Human Gene Mutation Database. The p.M878L variant is a strong candidate for a disease-causing variant, however the possibility it may be a rare benign variant cannot be excluded.

Counsyl
Classification: Uncertain significance for Junctional epidermolysis bullosa gravis of Herlitz. Last evaluated: 2017-02-27. Review status: no assertion criteria provided. Collection method: clinical testing. Allele origin: unknown. Not counted in ClinVar's aggregate classification.

Literature cited by the submitters: PubMed 16473856 (cited by Counsyl).

NM_198129.4(LAMA3):c.7459A>T (p.Met2487Leu)

Gene: LAMA3 (laminin subunit alpha 3; plus strand). Cytogenetic location: 18q11.2.
Variant type: single nucleotide variant.
Coding change: c.7459A>T on transcript NM_198129.4 (MANE Select); coding-DNA position 7459, A replaced by T.
Protein change: p.Met2487Leu; replaces methionine 2487 with leucine.
Molecular consequence: missense variant.
Genome position (GRCh38, 1-based): chr18:23,914,539, A>T. VCF-style: chr18-23914539-A-T. GRCh37 (hg19) VCF-style: chr18-21494503-A-T.
Other names: c.2632A>T, p.Met878Leu (NM_000227.6); c.7291A>T, p.Met2431Leu (NM_001127717.4); c.2464A>T, p.Met822Leu (NM_001127718.4); short protein forms M2487L, M878L, M2431L, M822L.
Identifiers: ClinVar variation 427194 (VCV000427194.3), dbSNP rs1085308017, ClinGen allele CA402056682.